The following is an entry in ClinVar:

ClinVar aggregate classification (germline): Uncertain significance. Review status: criteria provided, multiple submitters, no conflicts (2 of 4 stars). 2 submissions from 2 submitters: Uncertain significance (2). Last evaluated 2025-04-13.

Allele frequency attached by ClinVar (database versions not stated): TOPMed 0.00003; gnomAD 0.00004; ExAC 0.00002; gnomAD exomes 0.00004; ESP Exome Variant Server 0.00015.
gnomAD v4.1: 64 of 1,613,726 alleles (0.004%); highest among the groups gnomAD compares: South Asian, 0.0055%; no homozygotes.

Submissions (2):

Ambry Genetics
Classification: Uncertain significance. Last evaluated: 2025-04-13. Review status: criteria provided, single submitter. Criteria: Ambry Variant Classification Scheme 2023. Collection method: clinical testing. Allele origin: germline.

Labcorp Genetics (formerly Invitae), Labcorp
Classification: Uncertain significance. Last evaluated: 2021-09-24. Review status: criteria provided, single submitter. Criteria: Invitae Variant Classification Sherloc (09022015). Collection method: clinical testing. Allele origin: germline.
Comment: This sequence change replaces arginine with glutamine at codon 76 of the MPC1 protein (p.Arg76Gln). The arginine residue is highly conserved and there is a small physicochemical difference between arginine and glutamine. This variant is present in population databases (rs201142077, ExAC 0.004%). This variant has not been reported in the literature in individuals with MPC1-related conditions. Algorithms developed to predict the effect of missense changes on protein structure and function are either unavailable or do not agree on the potential impact of this missense change (SIFT: "Deleterious"; PolyPhen-2: "Benign"; Align-GVGD: "Class C0"). In summary, the available evidence is currently insufficient to determine the role of this variant in disease. Therefore, it has been classified as a Variant of Uncertain Significance.

NM_016098.4(MPC1):c.227G>A (p.Arg76Gln)

Gene: MPC1 (mitochondrial pyruvate carrier 1; minus strand). Cytogenetic location: 6q27.
Variant type: single nucleotide variant.
Coding change: c.227G>A on transcript NM_016098.4 (MANE Select); coding-DNA position 227, G replaced by A.
Protein change: p.Arg76Gln; replaces arginine 76 with glutamine.
Molecular consequence: missense variant. On other transcripts: synonymous variant (1), non-coding transcript variant (4).
Genome position (GRCh38, 1-based): chr6:166,366,052, C>T on the plus strand (G>A on the coding strand, the complement: MPC1 is on the minus strand). VCF-style: chr6-166366052-C-T. GRCh37 (hg19) VCF-style: chr6-166779540-C-T.
Other names: c.98G>A, p.Arg33Gln (NM_001270879.2, NM_001376565.1, NM_001376566.1 and 2 more transcripts); c.177G>A, p.Ser59= (NM_001376569.1); c.227G>A (NM_016098.2); short protein forms R33Q, R76Q.
Identifiers: ClinVar variation 1380961 (VCV001380961.7), dbSNP rs201142077, ClinGen allele CA4093622.